The following is an entry in ClinVar:

ClinVar aggregate classification (germline): Uncertain significance (1 of 4 stars; one submission).

Allele frequency attached by ClinVar (database versions not stated): gnomAD exomes below 0.00001; ExAC 0.00001.
gnomAD v4.1: 3 of 1,614,154 alleles (0.00019%); highest among the groups gnomAD compares: Non-Finnish European, 0.00025%; no homozygotes.

Submission:

Labcorp Genetics (formerly Invitae), Labcorp
Classification: Uncertain significance. Last evaluated: 2023-11-17. Review status: criteria provided, single submitter. Criteria: Invitae Variant Classification Sherloc (09022015). Collection method: clinical testing. Allele origin: germline.
Comment: This sequence change replaces serine, which is neutral and polar, with proline, which is neutral and non-polar, at codon 841 of the AGBL5 protein (p.Ser841Pro). The frequency data for this variant in the population databases is considered unreliable, as metrics indicate poor data quality at this position in the gnomAD database. This variant has not been reported in the literature in individuals affected with AGBL5-related conditions. ClinVar contains an entry for this variant (Variation ID: 1393252). An algorithm developed to predict the effect of missense changes on protein structure and function (PolyPhen-2) suggests that this variant is likely to be disruptive. In summary, the available evidence is currently insufficient to determine the role of this variant in disease. Therefore, it has been classified as a Variant of Uncertain Significance.

NM_021831.6(AGBL5):c.2521T>C (p.Ser841Pro)

Gene: AGBL5 (AGBL carboxypeptidase 5; plus strand). Cytogenetic location: 2p23.3.
Variant type: single nucleotide variant.
Coding change: c.2521T>C on transcript NM_021831.6 (MANE Select); coding-DNA position 2521, T replaced by C.
Protein change: p.Ser841Pro; replaces serine 841 with proline.
Molecular consequence: missense variant. On other transcripts: non-coding transcript variant (2).
Genome position (GRCh38, 1-based): chr2:27,070,123, T>C. VCF-style: chr2-27070123-T-C. GRCh37 (hg19) VCF-style: chr2-27292991-T-C.
Other names: short protein forms S841P.
Identifiers: ClinVar variation 1393252 (VCV001393252.6), dbSNP rs745326024, ClinGen allele CA1568287.